The following is an entry in ClinVar:

ClinVar aggregate classification (germline): Likely pathogenic (0 of 4 stars; one submission).

Conditions:
COL9A2-related disorder. Also called: COL9A2-related condition.

Submission:

PreventionGenetics, part of Exact Sciences
Classification: Likely pathogenic for COL9A2-related condition. Last evaluated: 2023-12-26. Review status: no assertion criteria provided. Collection method: clinical testing. Allele origin: germline.
Comment: The COL9A2 c.1051C>T variant is predicted to result in premature protein termination (p.Gln351*). To our knowledge, this variant has not been reported in the literature or in a large population database, indicating this variant is rare. Nonsense variants in COL9A2 are expected to be pathogenic. This variant is interpreted as likely pathogenic.

NM_001852.4(COL9A2):c.1051C>T (p.Gln351Ter)

Gene: COL9A2 (collagen type IX alpha 2 chain; minus strand). Cytogenetic location: 1p34.2.
Variant type: single nucleotide variant.
Coding change: c.1051C>T on transcript NM_001852.4 (MANE Select); coding-DNA position 1051, C replaced by T.
Protein change: p.Gln351Ter; replaces glutamine 351 with a stop codon.
Molecular consequence: nonsense.
Genome position (GRCh38, 1-based): chr1:40,306,145, G>A on the plus strand (C>T on the coding strand, the complement: COL9A2 is on the minus strand). VCF-style: chr1-40306145-G-A. GRCh37 (hg19) VCF-style: chr1-40771817-G-A.
Other names: short protein forms Q351*.
Identifiers: ClinVar variation 3029702 (VCV003029702.2), dbSNP rs2522513640, ClinGen allele CA339851290.